The following is an entry in ClinVar:

ClinVar aggregate classification (germline): Uncertain significance (1 of 4 stars; one submission).

Conditions:
Hereditary cancer-predisposing syndrome. Also called: Neoplastic Syndromes, Hereditary; Tumor predisposition; Hereditary Cancer Syndrome; Hereditary neoplastic syndrome. Identifiers: Orphanet 140162, MedGen C0027672, MeSH D009386, MONDO:0015356.

gnomAD v4.1: 6 of 1,613,888 alleles (0.00037%); highest among the groups gnomAD compares: South Asian, 0.0055%; no homozygotes.

Submission:

Ambry Genetics
Classification: Uncertain significance for Hereditary cancer-predisposing syndrome. Last evaluated: 2026-03-20. Review status: criteria provided, single submitter. Criteria: Ambry Variant Classification Scheme 2023. Collection method: clinical testing. Allele origin: germline.
Comment: The p.G242W variant (also known as c.724G>T), located in coding exon 6 of the SDHA gene, results from a G to T substitution at nucleotide position 724. The glycine at codon 242 is replaced by tryptophan, an amino acid with highly dissimilar properties. This amino acid position is highly conserved in available vertebrate species. In addition, this alteration is predicted to be deleterious by in silico analysis. Based on the available evidence, the clinical significance of this variant remains unclear.

NM_004168.4(SDHA):c.724G>T (p.Gly242Trp)

Gene: SDHA (succinate dehydrogenase complex flavoprotein subunit A; plus strand). Cytogenetic location: 5p15.33.
Variant type: single nucleotide variant.
Coding change: c.724G>T on transcript NM_004168.4 (MANE Select); coding-DNA position 724, G replaced by T.
Protein change: p.Gly242Trp; replaces glycine 242 with tryptophan.
Molecular consequence: missense variant.
Genome position (GRCh38, 1-based): chr5:228,287, G>T. VCF-style: chr5-228287-G-T. GRCh37 (hg19) VCF-style: chr5-228402-G-T.
Other names: c.580G>T, p.Gly194Trp (NM_001294332.2); c.724G>T, p.Gly242Trp (NM_001330758.2); short protein forms G194W, G242W.
Identifiers: ClinVar variation 4864213 (VCV004864213.1).
Genomic context (GRCh38, chr5:228,287, plus strand): 5'-TTGGATCTCCTGATGGAGAATGGGGAGTGCCGTGGTGTCATCGCACTGTGCATAGAGGAC[G>T]GGTCCATCCATCGCATAAGAGCAAAGAACACTGTTGTTGCCACAGGGTAGGAATCTCATT-3'
Protein context (NP_004159.2, residues 232-252): RGVIALCIED[Gly242Trp]SIHRIRAKNT